The following is an entry in ClinVar:

NM_001395656.1(ROBO2):c.3047C>A (p.Ala1016Asp)

Gene: ROBO2 (roundabout guidance receptor 2; plus strand). Cytogenetic location: 3p12.3.
Variant type: single nucleotide variant.
Coding change: c.3047C>A on transcript NM_001395656.1 (MANE Select); coding-DNA position 3047, C replaced by A.
Protein change: p.Ala1016Asp; replaces alanine 1016 with aspartic acid.
Molecular consequence: missense variant.
Genome position (GRCh38, 1-based): chr3:77,602,390, C>A. VCF-style: chr3-77602390-C-A. GRCh37 (hg19) VCF-style: chr3-77651541-C-A.
Other names: c.3083C>A, p.Ala1028Asp (NM_001128929.3); c.3047C>A, p.Ala1016Asp (NM_001290039.2, NM_001290040.2, NM_001378202.1); c.1256C>A, p.Ala419Asp (NM_001290065.2); c.3095C>A, p.Ala1032Asp (NM_001378190.1, NM_001378191.1, NM_001378195.1 and 4 more transcripts); c.3116C>A, p.Ala1039Asp (NM_001378192.1, NM_001378194.1, NM_001378198.1 and 2 more transcripts); c.3035C>A, p.Ala1012Asp (NM_001378193.1, NM_001378197.1, NM_002942.5); c.3104C>A, p.Ala1035Asp (NM_001394212.1, NM_001394214.1, NM_001395657.1); short protein forms A1012D, A1016D, A1028D, A1032D, A1035D, A1039D, A419D.
Identifiers: ClinVar variation 3618353 (VCV003618353.2).

ClinVar aggregate classification (germline): Uncertain significance (1 of 4 stars; one submission).

gnomAD v4.1: 7 of 1,614,014 alleles (0.00043%); highest among the groups gnomAD compares: Admixed American, 0.0083%; no homozygotes.

Submission:

Labcorp Genetics (formerly Invitae), Labcorp
Classification: Uncertain significance. Last evaluated: 2024-11-27. Review status: criteria provided, single submitter. Criteria: Invitae Variant Classification Sherloc (09022015). Collection method: clinical testing. Allele origin: germline.
Comment: This sequence change replaces alanine, which is neutral and non-polar, with aspartic acid, which is acidic and polar, at codon 1012 of the ROBO2 protein (p.Ala1012Asp). This variant is present in population databases (rs759695530, gnomAD 0.009%). This variant has not been reported in the literature in individuals affected with ROBO2-related conditions. Invitae Evidence Modeling of protein sequence and biophysical properties (such as structural, functional, and spatial information, amino acid conservation, physicochemical variation, residue mobility, and thermodynamic stability) indicates that this missense variant is not expected to disrupt ROBO2 protein function with a negative predictive value of 95%. In summary, the available evidence is currently insufficient to determine the role of this variant in disease. Therefore, it has been classified as a Variant of Uncertain Significance.